The following is an entry in ClinVar:

NM_138694.4(PKHD1):c.1910del (p.Asn637fs)

Gene: PKHD1 (PKHD1 ciliary IPT domain containing fibrocystin/polyductin; minus strand). Cytogenetic location: 6p12.2.
Variant type: Deletion.
Coding change: c.1910del on transcript NM_138694.4 (MANE Select); coding-DNA position 1910, one base deleted (A; older notation c.1910delA).
Protein change: p.Asn637fs; shifts the reading frame from asparagine 637.
Molecular consequence: frameshift variant.
Genome position (GRCh38, 1-based): chr6:52,054,092, T deleted on the plus strand (A on the coding strand, the reverse complement: PKHD1 is on the minus strand); the first of 4 consecutive T bases (chr6:52,054,092-52,054,095); deleting any one gives the same sequence. VCF-style (leftmost placement, unchanged base first): chr6-52054091-GT-G. GRCh37 (hg19) VCF-style: chr6-51918889-GT-G.
Other names: c.1910del, p.Asn637fs (NM_170724.3); short protein forms N637fs.
Identifiers: ClinVar variation 1726264 (VCV001726264.2), dbSNP rs2533287529, ClinGen allele CA2580075591.

ClinVar aggregate classification (germline): Likely pathogenic (1 of 4 stars; one submission).

Conditions:
Polycystic kidney disease 4 (PKD4). Also called: POLYCYSTIC KIDNEY AND HEPATIC DISEASE 1; POLYCYSTIC KIDNEY DISEASE, INFANTILE, TYPE I; POLYCYSTIC KIDNEY DISEASE 4 WITH OR WITHOUT POLYCYSTIC LIVER DISEASE; PKD3; Autosomal Recessive Polycystic Kidney Disease – PKHD1. Identifiers: MedGen C4540575, MONDO:0033004, OMIM 263200.

Submission:

Myriad Genetics, Inc.
Classification: Likely pathogenic for Polycystic kidney disease 4. Last evaluated: 2021-12-10. Review status: criteria provided, single submitter. Criteria: Myriad Women's Health Autosomal Recessive and X-Linked Classification Criteria (2021). Collection method: clinical testing. Allele origin: unknown.
Comment: NM_138694.3(PKHD1):c.1910delA(N637Tfs*3) is expected to be pathogenic in the context of autosomal recessive polycystic kidney disease, PKHD1-related. This variant is predicted to lead to an abnormal or absent protein product due to the creation of a premature termination codon in PKHD1, a gene where loss-of-function variants are known to be pathogenic. Please note: this variant was assessed in the context of healthy population screening.